The following is an entry in ClinVar:

NM_000321.3(RB1):c.1336T>C (p.Tyr446His)

Gene: RB1 (RB transcriptional corepressor 1; plus strand). Cytogenetic location: 13q14.2.
Variant type: single nucleotide variant.
Coding change: c.1336T>C on transcript NM_000321.3 (MANE Select); coding-DNA position 1336, T replaced by C.
Protein change: p.Tyr446His; replaces tyrosine 446 with histidine.
Molecular consequence: missense variant.
Genome position (GRCh38, 1-based): chr13:48,379,597, T>C. VCF-style: chr13-48379597-T-C. GRCh37 (hg19) VCF-style: chr13-48953733-T-C.
Other names: short protein forms Y446H.
Identifiers: ClinVar variation 844963 (VCV000844963.10), dbSNP rs1948513840, ClinGen allele CA388162536.

ClinVar aggregate classification (germline): Uncertain significance. Review status: criteria provided, multiple submitters, no conflicts (2 of 4 stars). 2 submissions from 2 submitters: Uncertain significance (2). Last evaluated 2025-04-04.

Conditions:
Hereditary cancer-predisposing syndrome. Also called: Tumor predisposition; Hereditary neoplastic syndrome; Neoplastic Syndromes, Hereditary; Hereditary Cancer Syndrome. Identifiers: Orphanet 140162, MedGen C0027672, MeSH D009386, MONDO:0015356.
Retinoblastoma (RB1). Also called: RETINOBLASTOMA, SOMATIC. Identifiers: Orphanet 790, MedGen C0035335, MeSH D012175, MONDO:0008380, OMIM 180200, HP:0009919. Disease mechanism: loss of function. Inheritance: Both sporadic and heritable forms are tested..

Submissions (2):

Ambry Genetics
Classification: Uncertain significance for Hereditary cancer-predisposing syndrome. Last evaluated: 2025-04-04. Review status: criteria provided, single submitter. Criteria: Ambry Variant Classification Scheme 2023. Collection method: clinical testing. Allele origin: germline.

Labcorp Genetics (formerly Invitae), Labcorp
Classification: Uncertain significance for Retinoblastoma. Last evaluated: 2024-10-16. Review status: criteria provided, single submitter. Criteria: Invitae Variant Classification Sherloc (09022015). Collection method: clinical testing. Allele origin: germline.
Comment: This sequence change replaces tyrosine, which is neutral and polar, with histidine, which is basic and polar, at codon 446 of the RB1 protein (p.Tyr446His). This variant is not present in population databases (gnomAD no frequency). This variant has not been reported in the literature in individuals affected with RB1-related conditions. ClinVar contains an entry for this variant (Variation ID: 844963). Invitae Evidence Modeling of protein sequence and biophysical properties (such as structural, functional, and spatial information, amino acid conservation, physicochemical variation, residue mobility, and thermodynamic stability) indicates that this missense variant is expected to disrupt RB1 protein function with a positive predictive value of 80%. In summary, the available evidence is currently insufficient to determine the role of this variant in disease. Therefore, it has been classified as a Variant of Uncertain Significance.